The following is an entry in ClinVar:

NM_015443.4(KANSL1):c.496A>G (p.Thr166Ala)

Gene: KANSL1 (KAT8 regulatory NSL complex subunit 1). Cytogenetic location: 17q21.31.
Variant type: single nucleotide variant.
Coding change: c.496A>G on transcript NM_015443.4 (MANE Select); coding-DNA position 496, A replaced by G.
Protein change: p.Thr166Ala; replaces threonine 166 with alanine.
Molecular consequence: missense variant.
Genome position (GRCh38, 1-based): chr17:46,171,648, T>C on the plus strand (A>G on the coding strand, the complement: KANSL1 is on the minus strand). VCF-style: chr17-46171648-T-C. GRCh37 (hg19) VCF-style: chr17-44249014-T-C.
Other names: c.496A>G, p.Thr166Ala (NM_001193465.2, NM_001193466.2, NM_001379198.1); short protein forms T166A.
Identifiers: ClinVar variation 1386778 (VCV001386778.7), dbSNP rs778413024, ClinGen allele CA8619045.
Genomic context (GRCh38, chr17:46,171,648, plus strand): 5'-ATGAAGTGAGAGCCCGTTTTCCCCCATTGAGGGAAGTGGAATTGTCATGATCAGAATGTG[T>C]TGAACTTTTAGTCAATTTCTTAGCCAACCCATTTACAGGTGCTTGTGGCAGAGCTGTCTG-3'
Protein context (NP_056258.1, residues 156-176): GLAKKLTKSS[Thr166Ala]HSDHDNSTSL

ClinVar aggregate classification (germline): Uncertain significance. Review status: criteria provided, multiple submitters, no conflicts (2 of 4 stars). 2 submissions from 2 submitters: Uncertain significance (2). Last evaluated 2023-12-23.

Conditions:
Koolen-de Vries syndrome (KDVS). Identifiers: Orphanet 96169, MedGen C1864871, MONDO:0012496, OMIM 610443.

Allele frequency attached by ClinVar (database versions not stated): TOPMed below 0.00001; ExAC 0.00001; gnomAD exomes 0.00001.
gnomAD v4.1: 9 of 1,556,654 alleles (0.00058%); highest among the groups gnomAD compares: East Asian, 0.016%; no homozygotes.

Submissions (2):

Fulgent Genetics
Classification: Uncertain significance for Koolen-de Vries syndrome. Last evaluated: 2023-12-23. Review status: criteria provided, single submitter. Criteria: ACMG Guidelines, 2015. Collection method: clinical testing. Allele origin: germline.

Labcorp Genetics (formerly Invitae), Labcorp
Classification: Uncertain significance for Koolen-de Vries syndrome. Last evaluated: 2021-09-17. Review status: criteria provided, single submitter. Criteria: Invitae Variant Classification Sherloc (09022015). Collection method: clinical testing. Allele origin: germline.
Comment: Due to the possible presence of a polymorphic segmental duplication, the location of the variant could not be unambiguously resolved. Variants with ambiguous mapping are still reported relative to the KANSL1 transcript. This sequence change replaces threonine with alanine at codon 166 of the KANSL1 protein (p.Thr166Ala). The threonine residue is highly conserved and there is a small physicochemical difference between threonine and alanine. The frequency data for this variant in the population databases (ExAC) is considered unreliable due to the presence of homologous sequence, such as pseudogenes or paralogs, in the genome. This variant has not been reported in the literature in individuals with KANSL1-related conditions. Algorithms developed to predict the effect of missense changes on protein structure and function output the following: SIFT: "Deleterious"; PolyPhen-2: "Benign"; Align-GVGD: "Class C55". The alanine amino acid residue is found in multiple mammalian species, which suggests that this missense change does not adversely affect protein function. Until the location of this sequence change can be resolved, the clinical significance of this variant remains uncertain. It has been classified as a Variant of Uncertain Significance.